The following is an entry in ClinVar:

NM_000094.4(COL7A1):c.5798G>T (p.Arg1933Leu)

Gene: COL7A1 (collagen type VII alpha 1 chain; minus strand). Cytogenetic location: 3p21.31.
Variant type: single nucleotide variant.
Coding change: c.5798G>T on transcript NM_000094.4 (MANE Select); coding-DNA position 5798, G replaced by T.
Protein change: p.Arg1933Leu; replaces arginine 1933 with leucine.
Molecular consequence: missense variant.
Genome position (GRCh38, 1-based): chr3:48,576,271, C>A on the plus strand (G>T on the coding strand, the complement: COL7A1 is on the minus strand). VCF-style: chr3-48576271-C-A. GRCh37 (hg19) VCF-style: chr3-48613704-C-A.
Other names: short protein forms R1933L.
Identifiers: ClinVar variation 3682206 (VCV003682206.2).
Genomic context (GRCh38, chr3:48,576,271, plus strand): 5'-CAAAACAGAGTCAAGGGGACATCCCAAGCCTGGCTCACCGGCACACTTCCAGGCTCTCCT[C>A]GCAGGCCACGCTCTCCAGGGAGGCCCTGGAGAGATGAAGACAAACTGCTAGGAACCAGCC-3'
Protein context (NP_000085.1, residues 1923-1943): EQGLPGERGL[Arg1933Leu]GEPGSVPNVD

ClinVar aggregate classification (germline): Uncertain significance (1 of 4 stars; one submission).

Submission:

Labcorp Genetics (formerly Invitae), Labcorp
Classification: Uncertain significance. Last evaluated: 2024-03-28. Review status: criteria provided, single submitter. Criteria: Invitae Variant Classification Sherloc (09022015). Collection method: clinical testing. Allele origin: germline.
Comment: This sequence change replaces arginine, which is basic and polar, with leucine, which is neutral and non-polar, at codon 1933 of the COL7A1 protein (p.Arg1933Leu). This variant is not present in population databases (gnomAD no frequency). This variant has not been reported in the literature in individuals affected with COL7A1-related conditions. Advanced modeling of protein sequence and biophysical properties (such as structural, functional, and spatial information, amino acid conservation, physicochemical variation, residue mobility, and thermodynamic stability) has been performed at Invitae for this missense variant, however the output from this modeling did not meet the statistical confidence thresholds required to predict the impact of this variant on COL7A1 protein function. In summary, the available evidence is currently insufficient to determine the role of this variant in disease. Therefore, it has been classified as a Variant of Uncertain Significance.